The following is an entry in ClinVar:

ClinVar aggregate classification (germline): Uncertain significance. Review status: criteria provided, multiple submitters, no conflicts (2 of 4 stars). 2 submissions from 2 submitters: Uncertain significance (2). Last evaluated 2024-12-27.

Conditions:
Inborn genetic diseases. Identifiers: MedGen C0950123, MeSH D030342.

Allele frequency attached by ClinVar (database versions not stated): gnomAD exomes below 0.00001.
gnomAD v4.1: 1 of 1,211,561 alleles (0.000083%); no homozygotes.

Submissions (2):

GeneDx
Classification: Uncertain significance. Last evaluated: 2024-12-27. Review status: criteria provided, single submitter. Criteria: GeneDx Variant Classification Process June 2021. Collection method: clinical testing. Allele origin: germline. Affected: yes.
Comment: In silico analysis supports that this missense variant has a deleterious effect on protein structure/function; Has not been previously published as pathogenic or benign to our knowledge

Ambry Genetics
Classification: Uncertain significance for Inborn genetic diseases. Last evaluated: 2019-03-28. Review status: criteria provided, single submitter. Criteria: Ambry Variant Classification Scheme 2023. Collection method: clinical testing. Allele origin: germline.
Comment: The p.G194S variant (also known as c.580G>A), located in coding exon 2 of the PTCHD1 gene, results from a G to A substitution at nucleotide position 580. The glycine at codon 194 is replaced by serine, an amino acid with similar properties. This amino acid position is highly conserved in available vertebrate species. In addition, this alteration is predicted to be deleterious by in silico analysis. Since supporting evidence is limited at this time, the clinical significance of this alteration remains unclear.

NM_173495.3(PTCHD1):c.580G>A (p.Gly194Ser)

Gene: PTCHD1 (patched domain containing 1; plus strand). Cytogenetic location: Xp22.11.
Variant type: single nucleotide variant.
Coding change: c.580G>A on transcript NM_173495.3 (MANE Select); coding-DNA position 580, G replaced by A.
Protein change: p.Gly194Ser; replaces glycine 194 with serine.
Molecular consequence: missense variant.
Genome position (GRCh38, 1-based): chrX:23,379,819, G>A. VCF-style: chrX-23379819-G-A. GRCh37 (hg19) VCF-style: chrX-23397936-G-A.
Other names: short protein forms G194S.
Identifiers: ClinVar variation 1749836 (VCV001749836.3), dbSNP rs1466222048, ClinGen allele CA412580030.